The following is an entry in ClinVar:

ClinVar aggregate classification (germline): Likely benign. Review status: criteria provided, multiple submitters, no conflicts (2 of 4 stars). 5 submissions from 5 submitters: Likely benign (4). 1 of the submissions does not count toward it. Last evaluated 2025-06-22.

Conditions:
RYR1-related disorder. Also called: RYR1-related disorders; RYR1-related condition. Identifiers: MedGen CN239331.
Malignant hyperthermia, susceptibility to, 1 (MHS1). Also called: RYR1-Related Malignant Hyperthermia Susceptibility; Anesthesia related hyperthermia; Malignant hyperpyrexia; Fulminating hyperpyrexia; Pharmacogenic myopathy; Malignant hyperthermia suceptibility 1. Identifiers: Orphanet 423, MedGen C2930980, MONDO:0007783, OMIM 145600.

gnomAD v4.1: 46 of 1,549,400 alleles (0.003%); highest among the groups gnomAD compares: Non-Finnish European, 0.0037%; no homozygotes.

Submissions (5):

Labcorp Genetics (formerly Invitae), Labcorp
Classification: Likely benign for RYR1-related disorder. Last evaluated: 2025-06-22. Review status: criteria provided, single submitter. Criteria: Invitae Variant Classification Sherloc (09022015). Collection method: clinical testing. Allele origin: germline.

Blueprint Genetics
Classification: Likely benign. Last evaluated: 2024-11-13. Review status: criteria provided, single submitter. Criteria: ACMG Guidelines, 2015. Collection method: clinical testing. Allele origin: germline.

All of Us Research Program, National Institutes of Health
Classification: Likely benign for Malignant hyperthermia, susceptibility to, 1. Last evaluated: 2024-01-11. Review status: criteria provided, single submitter. Criteria: ACMG Guidelines, 2015. Collection method: clinical testing. Allele origin: germline. Inheritance: Autosomal dominant inheritance. Observed: 8 variant alleles, 8 heterozygotes.
Comment: This study involves interpretation of variants in research participants for the purpose of population health screening. Participant phenotype was not available at the time of variant classification. Additional details can be found in publication PMID: 35346344, PMCID: PMC8962531

Color Diagnostics, LLC DBA Color Health
Classification: Likely benign for Malignant hyperthermia, susceptibility to, 1. Last evaluated: 2022-11-06. Review status: criteria provided, single submitter. Criteria: ACMG Guidelines, 2015. Collection method: clinical testing. Allele origin: germline.

PreventionGenetics, part of Exact Sciences
Classification: Likely benign for RYR1-related condition. Last evaluated: 2021-05-19. Review status: no assertion criteria provided. Collection method: clinical testing. Allele origin: germline. Not counted in ClinVar's aggregate classification.
Comment: This variant is classified as likely benign based on ACMG/AMP sequence variant interpretation guidelines (Richards et al. 2015 PMID: 25741868, with internal and published modifications).

NM_000540.3(RYR1):c.4089G>T (p.Ala1363=)

Gene: RYR1 (ryanodine receptor 1; plus strand). Cytogenetic location: 19q13.2.
Variant type: single nucleotide variant.
Coding change: c.4089G>T on transcript NM_000540.3 (MANE Select); coding-DNA position 4089, G replaced by T.
Protein change: p.Ala1363=; no amino-acid change (alanine 1363 retained).
Molecular consequence: synonymous variant.
Genome position (GRCh38, 1-based): chr19:38,473,700, G>T. VCF-style: chr19-38473700-G-T. GRCh37 (hg19) VCF-style: chr19-38964340-G-T.
Other names: c.4089G>T, p.Ala1363= (NM_001042723.2).
Identifiers: ClinVar variation 697221 (VCV000697221.15), dbSNP rs761793739, ClinGen allele CA308079816.